The following is an entry in ClinVar:

NM_003982.4(SLC7A7):c.1215G>A (p.Trp405Ter)

Gene: SLC7A7 (solute carrier family 7 member 7; minus strand). Cytogenetic location: 14q11.2.
Variant type: single nucleotide variant.
Coding change: c.1215G>A on transcript NM_003982.4 (MANE Select); coding-DNA position 1215, G replaced by A.
Protein change: p.Trp405Ter; replaces tryptophan 405 with a stop codon.
Molecular consequence: nonsense.
Genome position (GRCh38, 1-based): chr14:22,774,384, C>T on the plus strand (G>A on the coding strand, the complement: SLC7A7 is on the minus strand). VCF-style: chr14-22774384-C-T. GRCh37 (hg19) VCF-style: chr14-23243593-C-T.
Other names: c.1215G>A, p.Trp405Ter (NM_001126105.3, NM_001126106.4); short protein forms W405*.
Identifiers: ClinVar variation 2505354 (VCV002505354.2), dbSNP rs1479668615, ClinGen allele CA388921678.

ClinVar aggregate classification (germline): Likely pathogenic (1 of 4 stars; one submission).

Conditions:
Lysinuric protein intolerance (LPI). Identifiers: Orphanet 470, MedGen C0268647, MONDO:0009109, OMIM 222700.

Submission:

Diagnostics Services (NGS), CSIR - Centre For Cellular And Molecular Biology
Classification: Likely pathogenic for Lysinuric protein intolerance. Last evaluated: 2023-05-04. Review status: criteria provided, single submitter. Criteria: ACMG Guidelines, 2015. Collection method: clinical testing. Allele origin: germline. Affected: yes. Observed: 1 variant allele, 1 homozygote.
Comment: The c.1215G>A variation is not present in publicly available population databases like 1000 Genomes, ExAC, EVS, Indian Exome Database or our in-house exome database. This variant has been previously reported in literature with SLC7A7 related conditions [2]. It has not been reported to the clinical databases like in ClinVar, Human Gene Mutation Database (HGMD) or OMIM, in any affected individuals. In-silico pathogenicity prediction programs like MutationTaster2, CADD, Varsome, Franklin etc predicted this variant to be likely deleterious. This variant creates a premature translational stop signal at the 405th amino acid position of the transcript that may either result in translation of a truncated protein or cause nonsense-mediated decay of the mRNA.